The following is an entry in ClinVar:

NM_000059.4(BRCA2):c.9397T>G (p.Ser3133Ala)

Gene: BRCA2 (BRCA2 DNA repair associated; plus strand). Cytogenetic location: 13q13.1.
Variant type: single nucleotide variant.
Coding change: c.9397T>G on transcript NM_000059.4 (MANE Select); coding-DNA position 9397, T replaced by G.
Protein change: p.Ser3133Ala; replaces serine 3133 with alanine.
Molecular consequence: missense variant. On other transcripts: non-coding transcript variant (1).
Genome position (GRCh38, 1-based): chr13:32,394,829, T>G. VCF-style: chr13-32394829-T-G. GRCh37 (hg19) VCF-style: chr13-32968966-T-G.
Other names: c.9301T>G, p.Ser3101Ala (NM_001406719.1); c.9346T>G, p.Ser3116Ala (NM_001406720.1); c.4465T>G, p.Ser1489Ala (NM_001406721.1); c.2980T>G, p.Ser994Ala (NM_001406722.1); c.9397T>G, p.Ser3133Ala (NM_001432077.1); short protein forms S1489A, S3116A, S3101A, S3133A, S994A.
Identifiers: ClinVar variation 4215775 (VCV004215775.1).
Genomic context (GRCh38, chr13:32,394,829, plus strand): 5'-ATTATTAAGCCTCATATGTTAATTGCTGCAAGCAACCTCCAGTGGCGACCAGAATCCAAA[T>G]CAGGCCTTCTTACTTTATTTGCTGGAGATTTTTCTGTGTTTTCTGCTAGTCCAAAAGAGG-3'
Protein context (NP_000050.3, residues 3123-3143): SNLQWRPESK[Ser3133Ala]GLLTLFAGDF

ClinVar aggregate classification (germline): Uncertain significance (1 of 4 stars; one submission).

Conditions:
Hereditary cancer-predisposing syndrome. Also called: Hereditary Cancer Syndrome; Hereditary neoplastic syndrome; Neoplastic Syndromes, Hereditary; Tumor predisposition. Identifiers: Orphanet 140162, MedGen C0027672, MeSH D009386, MONDO:0015356.

Submission:

Ambry Genetics
Classification: Uncertain significance for Hereditary cancer-predisposing syndrome. Last evaluated: 2025-06-24. Review status: criteria provided, single submitter. Criteria: Ambry Variant Classification Scheme 2023. Collection method: clinical testing. Allele origin: germline.
Comment: The p.S3133A variant (also known as c.9397T>G), located in coding exon 24 of the BRCA2 gene, results from a T to G substitution at nucleotide position 9397. The serine at codon 3133 is replaced by alanine, an amino acid with similar properties. This amino acid position is conserved. In addition, the in silico prediction for this alteration is inconclusive. Based on the available evidence, the clinical significance of this variant remains unclear.